The following is an entry in ClinVar:

NM_001854.4(COL11A1):c.773T>C (p.Ile258Thr)

Gene: COL11A1 (collagen type XI alpha 1 chain; minus strand). Cytogenetic location: 1p21.1.
Variant type: single nucleotide variant.
Coding change: c.773T>C on transcript NM_001854.4 (MANE Select); coding-DNA position 773, T replaced by C.
Protein change: p.Ile258Thr; replaces isoleucine 258 with threonine.
Molecular consequence: missense variant. On other transcripts: non-coding transcript variant (1).
Genome position (GRCh38, 1-based): chr1:103,031,123, A>G on the plus strand (T>C on the coding strand, the complement: COL11A1 is on the minus strand). VCF-style: chr1-103031123-A-G. GRCh37 (hg19) VCF-style: chr1-103496679-A-G.
Other names: c.773T>C, p.Ile258Thr (NM_001190709.2, NM_080629.3, NM_080630.4); short protein forms I258T.
Identifiers: ClinVar variation 4708626 (VCV004708626.1).

ClinVar aggregate classification (germline): Uncertain significance (1 of 4 stars; one submission).

gnomAD v4.1: 8 of 1,613,290 alleles (0.0005%); highest among the groups gnomAD compares: Non-Finnish European, 0.00059%; no homozygotes.

Submission:

Labcorp Genetics (formerly Invitae), Labcorp
Classification: Uncertain significance. Last evaluated: 2025-08-23. Review status: criteria provided, single submitter. Criteria: Invitae Variant Classification Sherloc (09022015). Collection method: clinical testing. Allele origin: germline.
Comment: This sequence change replaces isoleucine, which is neutral and non-polar, with threonine, which is neutral and polar, at codon 258 of the COL11A1 protein (p.Ile258Thr). This variant is not present in population databases (gnomAD no frequency). This variant has not been reported in the literature in individuals affected with COL11A1-related conditions. Invitae Evidence Modeling of protein sequence and biophysical properties (such as structural, functional, and spatial information, amino acid conservation, physicochemical variation, residue mobility, and thermodynamic stability) indicates that this missense variant is not expected to disrupt COL11A1 protein function with a negative predictive value of 95%. In summary, the available evidence is currently insufficient to determine the role of this variant in disease. Therefore, it has been classified as a Variant of Uncertain Significance.